The following is an entry in ClinVar:

NM_001009944.3(PKD1):c.9469G>A (p.Asp3157Asn)

Gene: PKD1 (polycystin 1, transient receptor potential channel interacting; minus strand). Cytogenetic location: 16p13.3.
Variant type: single nucleotide variant.
Coding change: c.9469G>A on transcript NM_001009944.3 (MANE Select); coding-DNA position 9469, G replaced by A.
Protein change: p.Asp3157Asn; replaces aspartic acid 3157 with asparagine.
Molecular consequence: missense variant.
Genome position (GRCh38, 1-based): chr16:2,100,495, C>T on the plus strand (G>A on the coding strand, the complement: PKD1 is on the minus strand). VCF-style: chr16-2100495-C-T. GRCh37 (hg19) VCF-style: chr16-2150496-C-T.
Other names: c.9469G>A, p.Asp3157Asn (NM_000296.4); c.9469G>A (NM_000296.3); short protein forms D3157N.
Identifiers: ClinVar variation 2645993 (VCV002645993.25), dbSNP rs779683697, ClinGen allele CA7830077.

ClinVar aggregate classification (germline): Uncertain significance. Review status: criteria provided, multiple submitters, no conflicts (2 of 4 stars). 2 submissions from 2 submitters: Uncertain significance (2). Last evaluated 2025-07-01.

Conditions:
Inborn genetic diseases. Identifiers: MedGen C0950123, MeSH D030342.

Allele frequency attached by ClinVar (database versions not stated): ExAC 0.00001; gnomAD 0.00001; gnomAD exomes 0.00001; TOPMed 0.00002.
gnomAD v4.1: 9 of 1,610,240 alleles (0.00056%); highest among the groups gnomAD compares: Admixed American, 0.0067%; no homozygotes.

Submissions (2):

Ambry Genetics
Classification: Uncertain significance for Inborn genetic diseases. Last evaluated: 2025-07-01. Review status: criteria provided, single submitter. Criteria: Ambry Variant Classification Scheme 2023. Collection method: clinical testing. Allele origin: germline.

CeGaT Center for Human Genetics Tuebingen
Classification: Uncertain significance. Last evaluated: 2023-01-01. Review status: criteria provided, single submitter. Criteria: CeGaT Center For Human Genetics Tuebingen Variant Classification Criteria Version 2. Collection method: clinical testing. Allele origin: germline. Affected: yes. Observed: 1 variant allele.
Comment: PKD1: PM2, BP4